The following is an entry in ClinVar:

ClinVar aggregate classification (germline): Uncertain significance. Review status: criteria provided, multiple submitters, no conflicts (2 of 4 stars). 2 submissions from 2 submitters: Uncertain significance (2). Last evaluated 2022-09-27.

Conditions:
Hereditary cancer-predisposing syndrome. Also called: Tumor predisposition; Hereditary neoplastic syndrome; Hereditary Cancer Syndrome; Neoplastic Syndromes, Hereditary. Identifiers: Orphanet 140162, MedGen C0027672, MeSH D009386, MONDO:0015356.
Familial adenomatous polyposis 1 (FAP1). Also called: FAMILIAL ADENOMATOUS POLYPOSIS 1, ATTENUATED; POLYPOSIS, ADENOMATOUS INTESTINAL. Identifiers: MedGen C2713442, MONDO:0021056, OMIM 175100. Disease mechanism: loss of function.

Submissions (2):

Labcorp Genetics (formerly Invitae), Labcorp
Classification: Uncertain significance for Familial adenomatous polyposis 1. Last evaluated: 2022-09-27. Review status: criteria provided, single submitter. Criteria: Invitae Variant Classification Sherloc (09022015). Collection method: clinical testing. Allele origin: germline.
Comment: ClinVar contains an entry for this variant (Variation ID: 962586). In summary, the available evidence is currently insufficient to determine the role of this variant in disease. Therefore, it has been classified as a Variant of Uncertain Significance. Advanced modeling of protein sequence and biophysical properties (such as structural, functional, and spatial information, amino acid conservation, physicochemical variation, residue mobility, and thermodynamic stability) performed at Invitae indicates that this missense variant is not expected to disrupt APC protein function. This variant has not been reported in the literature in individuals affected with APC-related conditions. This variant is not present in population databases (gnomAD no frequency). This sequence change replaces glutamic acid, which is acidic and polar, with aspartic acid, which is acidic and polar, at codon 1719 of the APC protein (p.Glu1719Asp).

Ambry Genetics
Classification: Uncertain significance for Hereditary cancer-predisposing syndrome. Last evaluated: 2022-01-21. Review status: criteria provided, single submitter. Criteria: Ambry Variant Classification Scheme 2023. Collection method: clinical testing. Allele origin: germline.
Comment: The p.E1719D variant (also known as c.5157G>C), located in coding exon 15 of the APC gene, results from a G to C substitution at nucleotide position 5157. The glutamic acid at codon 1719 is replaced by aspartic acid, an amino acid with highly similar properties. This amino acid position is conserved. In addition, in silico predictors for this gene do not accurately predict pathogenicity. Since supporting evidence is limited at this time, the clinical significance of this alteration remains unclear.

NM_000038.6(APC):c.5157G>C (p.Glu1719Asp)

Gene: APC (APC regulator of Wnt signaling pathway; plus strand). Cytogenetic location: 5q22.2.
Variant type: single nucleotide variant.
Coding change: c.5157G>C on transcript NM_000038.6 (MANE Select); coding-DNA position 5157, G replaced by C.
Protein change: p.Glu1719Asp; replaces glutamic acid 1719 with aspartic acid.
Molecular consequence: missense variant.
Genome position (GRCh38, 1-based): chr5:112,840,751, G>C. VCF-style: chr5-112840751-G-C. GRCh37 (hg19) VCF-style: chr5-112176448-G-C.
Other names: c.5157G>C, p.Glu1719Asp (NM_001127510.3, NM_001354895.2); c.5103G>C, p.Glu1701Asp (NM_001127511.3); c.5211G>C, p.Glu1737Asp (NM_001354896.2); c.5187G>C, p.Glu1729Asp (NM_001354897.2); c.5082G>C, p.Glu1694Asp (NM_001354898.2); c.5073G>C, p.Glu1691Asp (NM_001354899.2); c.5034G>C, p.Glu1678Asp (NM_001354900.2); c.4980G>C, p.Glu1660Asp (NM_001354901.2); and 5 more; short protein forms E1618D, E1678D, E1593D, E1628D, E1660D, E1719D, E1729D, E1559D.
Identifiers: ClinVar variation 962586 (VCV000962586.13), dbSNP rs1765862929, ClinGen allele CA16032603.